The following is an entry in ClinVar:

ClinVar aggregate classification (germline): Uncertain significance (1 of 4 stars; one submission).

Conditions:
Hyperinsulinism-hyperammonemia syndrome (HHF6). Identifiers: Orphanet 35878, MedGen C1847555, MONDO:0011717, OMIM 606762.

Submission:

Labcorp Genetics (formerly Invitae), Labcorp
Classification: Uncertain significance for Hyperinsulinism-hyperammonemia syndrome. Last evaluated: 2022-09-24. Review status: criteria provided, single submitter. Criteria: Invitae Variant Classification Sherloc (09022015). Collection method: clinical testing. Allele origin: germline.
Comment: In summary, the available evidence is currently insufficient to determine the role of this variant in disease. Therefore, it has been classified as a Variant of Uncertain Significance. Algorithms developed to predict the effect of sequence changes on RNA splicing suggest that this variant may disrupt the consensus splice site. This variant has not been reported in the literature in individuals affected with GLUD1-related conditions. This variant is not present in population databases (gnomAD no frequency). This sequence change falls in intron 12 of the GLUD1 gene. It does not directly change the encoded amino acid sequence of the GLUD1 protein.

NM_005271.5(GLUD1):c.1558-5T>A

Gene: GLUD1 (glutamate dehydrogenase 1; minus strand). Cytogenetic location: 10q23.2.
Variant type: single nucleotide variant.
Coding change: c.1558-5T>A on transcript NM_005271.5 (MANE Select); 5 bases into the intron before coding-DNA position 1558, T replaced by A.
Molecular consequence: intron variant.
Genome position (GRCh38, 1-based): chr10:87,051,875, A>T on the plus strand (T>A on the coding strand, the complement: GLUD1 is on the minus strand). VCF-style: chr10-87051875-A-T. GRCh37 (hg19) VCF-style: chr10-88811632-A-T.
Other names: c.1057-5T>A (NM_001318906.2, NM_001318904.2, NM_001318905.2 and 2 more transcripts); c.1159-5T>A (NM_001318900.1).
Identifiers: ClinVar variation 1974512 (VCV001974512.5), dbSNP rs1329331435, ClinGen allele CA669510398.